The following is an entry in ClinVar:

ClinVar aggregate classification (germline): Likely benign. Review status: criteria provided, multiple submitters, no conflicts (2 of 4 stars). 2 submissions from 2 submitters: Likely benign (2). Last evaluated 2026-07-01.

gnomAD v4.1: 81 of 1,585,472 alleles (0.0051%); highest among the groups gnomAD compares: African/African-American, 0.031%; 6 homozygotes.

Submissions (2):

CeGaT Center for Human Genetics Tuebingen
Classification: Likely benign. Last evaluated: 2026-07-01. Review status: criteria provided, single submitter. Criteria: CeGaT Center For Human Genetics Tuebingen Variant Classification Criteria Version 2. Collection method: clinical testing. Allele origin: germline. Affected: yes. Observed: 2 variant alleles.
Comment: AHNAK2: BP4, BP7

Ambry Genetics
Classification: Likely benign. Last evaluated: 2025-05-01. Review status: criteria provided, single submitter. Criteria: Ambry Variant Classification Scheme 2023. Collection method: clinical testing. Allele origin: germline.

NM_138420.4(AHNAK2):c.5031C>T (p.Ile1677=)

Gene: AHNAK2 (AHNAK nucleoprotein 2; minus strand). Cytogenetic location: 14q32.33.
Variant type: single nucleotide variant.
Coding change: c.5031C>T on transcript NM_138420.4 (MANE Select); coding-DNA position 5031, C replaced by T.
Protein change: p.Ile1677=; no amino-acid change (isoleucine 1677 retained).
Molecular consequence: synonymous variant.
Genome position (GRCh38, 1-based): chr14:104,950,420, G>A on the plus strand (C>T on the coding strand, the complement: AHNAK2 is on the minus strand). VCF-style: chr14-104950420-G-A. GRCh37 (hg19) VCF-style: chr14-105416757-G-A.
Other names: c.4731C>T, p.Ile1577= (NM_001350929.2).
Identifiers: ClinVar variation 4027974 (VCV004027974.2).